The following is an entry in ClinVar:

ClinVar aggregate classification (germline): Likely benign (1 of 4 stars; one submission).

gnomAD v4.1: 57 of 750,801 alleles (0.0076%); highest among the groups gnomAD compares: Admixed American, 0.081%; no homozygotes.

Submission:

CeGaT Center for Human Genetics Tuebingen
Classification: Likely benign. Last evaluated: 2022-12-01. Review status: criteria provided, single submitter. Criteria: CeGaT Center For Human Genetics Tuebingen Variant Classification Criteria Version 2. Collection method: clinical testing. Allele origin: germline. Affected: yes. Observed: 1 variant allele.
Comment: LAMP2: BS2

NM_002294.3(LAMP2):c.*1673G>T

Gene: LAMP2 (lysosome associated membrane protein 2; minus strand). Cytogenetic location: Xq24.
Variant type: single nucleotide variant.
Coding change: c.*1673G>T on transcript NM_002294.3 (MANE Select); 1673 bases downstream of the stop codon, G replaced by T.
Molecular consequence: 3 prime UTR variant. On other transcripts: intron variant (1).
Genome position (GRCh38, 1-based): chrX:120,429,650, C>A on the plus strand (G>T on the coding strand, the complement: LAMP2 is on the minus strand). VCF-style: chrX-120429650-C-A. GRCh37 (hg19) VCF-style: chrX-119563505-C-A.
Other names: c.1094-1024G>T (NM_001122606.1).
Identifiers: ClinVar variation 2661326 (VCV002661326.24), dbSNP rs1014439065, ClinGen allele CA335012249.
Genomic context (GRCh38, chrX:120,429,650, plus strand): 5'-ATATTACTACTGAAAAAGCCCATATTAGTATTAAAAAAAAAACTTAAGCAAAACATAGTA[C>A]GGAAGCCCAAAGTGCCCAATTCTGATCTCATAATTTCAAGTGTAAACCAGCTGTTGTTTT-3'